The following is an entry in ClinVar:

NM_000059.4(BRCA2):c.6604G>C (p.Asp2202His)

Gene: BRCA2 (BRCA2 DNA repair associated; plus strand). Cytogenetic location: 13q13.1.
Variant type: single nucleotide variant.
Coding change: c.6604G>C on transcript NM_000059.4 (MANE Select); coding-DNA position 6604, G replaced by C.
Protein change: p.Asp2202His; replaces aspartic acid 2202 with histidine.
Molecular consequence: missense variant.
Genome position (GRCh38, 1-based): chr13:32,340,959, G>C. VCF-style: chr13-32340959-G-C. GRCh37 (hg19) VCF-style: chr13-32915096-G-C.
Other names: short protein forms D2202H.
Identifiers: ClinVar variation 841926 (VCV000841926.17), dbSNP rs2072560535, ClinGen allele CA387790111.

ClinVar aggregate classification (germline): Conflicting classifications of pathogenicity. Review status: criteria provided, conflicting classifications (1 of 4 stars). 6 submissions from 6 submitters: Uncertain significance (5); Likely benign (1). Last evaluated 2025-04-17.

Conditions:
Hereditary breast ovarian cancer syndrome. Also called: BRCA1- and BRCA2-Associated Hereditary Breast and Ovarian Cancer; Breast and ovarian cancer; Hereditary breast and ovarian cancer syndrome (HBOC); Hereditary breast and ovarian cancer syndrome; Hereditary breast and ovarian cancer; Hereditary breast and/or ovarian cancer syndrome. Identifiers: Orphanet 145, MedGen C0677776, MeSH D061325, MONDO:0003582. Disease mechanism: loss of function.
Hereditary cancer-predisposing syndrome. Also called: Hereditary Cancer Syndrome; Neoplastic Syndromes, Hereditary; Hereditary neoplastic syndrome; Tumor predisposition. Identifiers: Orphanet 140162, MedGen C0027672, MeSH D009386, MONDO:0015356.
Breast-ovarian cancer, familial, susceptibility to, 2 (BROVCA2). Also called: BRCA2 Hereditary Breast and Ovarian Cancer. Identifiers: Orphanet 145, MedGen C2675520, MONDO:0012933, OMIM 612555. Disease mechanism: loss of function.

Submissions (6):

Labcorp Genetics (formerly Invitae), Labcorp
Classification: Uncertain significance for Hereditary breast ovarian cancer syndrome. Last evaluated: 2025-04-17. Review status: criteria provided, single submitter. Criteria: Invitae Variant Classification Sherloc (09022015). Collection method: clinical testing. Allele origin: germline.
Comment: This sequence change replaces aspartic acid, which is acidic and polar, with histidine, which is basic and polar, at codon 2202 of the BRCA2 protein (p.Asp2202His). This variant is not present in population databases (gnomAD no frequency). This variant has not been reported in the literature in individuals affected with BRCA2-related conditions. ClinVar contains an entry for this variant (Variation ID: 841926). Invitae Evidence Modeling of protein sequence and biophysical properties (such as structural, functional, and spatial information, amino acid conservation, physicochemical variation, residue mobility, and thermodynamic stability) indicates that this missense variant is not expected to disrupt BRCA2 protein function with a negative predictive value of 95%. In summary, the available evidence is currently insufficient to determine the role of this variant in disease. Therefore, it has been classified as a Variant of Uncertain Significance.

GeneDx
Classification: Uncertain significance. Last evaluated: 2024-11-25. Review status: criteria provided, single submitter. Criteria: GeneDx Variant Classification Process June 2021. Collection method: clinical testing. Allele origin: germline. Affected: yes.
Comment: Not observed at significant frequency in large population cohorts (gnomAD); In silico analysis indicates that this missense variant does not alter protein structure/function; Has not been previously published as pathogenic or benign to our knowledge; Also known as 6832G>C

Blueprint Genetics
Classification: Uncertain significance. Last evaluated: 2024-05-27. Review status: criteria provided, single submitter. Criteria: ACMG Guidelines, 2015. Collection method: clinical testing. Allele origin: germline.

All of Us Research Program, National Institutes of Health
Classification: Uncertain significance for Breast-ovarian cancer, familial, susceptibility to, 2. Last evaluated: 2023-05-16. Review status: criteria provided, single submitter. Criteria: ACMG Guidelines, 2015. Collection method: clinical testing. Allele origin: germline. Inheritance: Autosomal dominant inheritance. Observed: 1 variant allele, 1 heterozygote.
Comment: This missense variant replaces aspartic acid with histidine at codon 2202 of the BRCA2 protein. Computational prediction is inconclusive regarding the impact of this variant on protein structure and function (internally defined REVEL score threshold 0.5 < inconclusive < 0.7, PMID: 27666373). To our knowledge, functional studies have not been reported for this variant. This variant has not been reported in individuals affected with BRCA2-related disorders in the literature. This variant has not been identified in the general population by the Genome Aggregation Database (gnomAD). The available evidence is insufficient to determine the role of this variant in disease conclusively. Therefore, this variant is classified as a Variant of Uncertain Significance.

This study involves interpretation of variants in research participants for the purpose of population health screening. Participant phenotype was not available at the time of variant classification. Additional details can be found in publication PMID: 35346344, PMCID: PMC8962531

University of Washington Department of Laboratory Medicine, University of Washington
Classification: Likely benign for Hereditary cancer-predisposing syndrome. Last evaluated: 2023-03-23. Review status: criteria provided, single submitter. Criteria: Dines et al. (Genet Med. 2020). Collection method: curation. Allele origin: germline.
Comment: Missense variant in a coldspot region where missense variants are very unlikely to be pathogenic (PMID:31911673).

BRCA2 exon 11 coldspot. Reclassification based on statistical prior probability.

Ambry Genetics
Classification: Uncertain significance for Hereditary cancer-predisposing syndrome. Last evaluated: 2021-06-22. Review status: criteria provided, single submitter. Criteria: Ambry Variant Classification Scheme 2023. Collection method: clinical testing. Allele origin: germline.
Comment: The p.D2202H variant (also known as c.6604G>C), located in coding exon 10 of the BRCA2 gene, results from a G to C substitution at nucleotide position 6604. The aspartic acid at codon 2202 is replaced by histidine, an amino acid with similar properties. This amino acid position is not well conserved in available vertebrate species. In addition, the in silico prediction for this alteration is inconclusive. Since supporting evidence is limited at this time, the clinical significance of this alteration remains unclear.